The following is an entry in ClinVar:

ClinVar aggregate classification (germline): Uncertain significance. Review status: criteria provided, multiple submitters, no conflicts (2 of 4 stars). 3 submissions from 3 submitters: Uncertain significance (3). Last evaluated 2022-08-18.

Conditions:
Distal hereditary motor neuropathy type 2. Identifiers: Orphanet 139525, MedGen C3711384, MeSH C580044, MONDO:0015352.

Allele frequency attached by ClinVar (database versions not stated): gnomAD exomes below 0.00001 and 0.00001; gnomAD 0.00001.
gnomAD v4.1: 11 of 1,614,010 alleles (0.00068%); highest among the groups gnomAD compares: Non-Finnish European, 0.00093%; no homozygotes.

Submissions (3):

Labcorp Genetics (formerly Invitae), Labcorp
Classification: Uncertain significance for Distal hereditary motor neuropathy type 2. Last evaluated: 2022-08-18. Review status: criteria provided, single submitter. Criteria: Invitae Variant Classification Sherloc (09022015). Collection method: clinical testing. Allele origin: germline.
Comment: ClinVar contains an entry for this variant (Variation ID: 1046863). This sequence change replaces serine, which is neutral and polar, with alanine, which is neutral and non-polar, at codon 338 of the FBXO38 protein (p.Ser338Ala). This variant is present in population databases (no rsID available, gnomAD 0.0009%). This variant has not been reported in the literature in individuals affected with FBXO38-related conditions. Algorithms developed to predict the effect of missense changes on protein structure and function are either unavailable or do not agree on the potential impact of this missense change (SIFT: "Deleterious"; PolyPhen-2: "Probably Damaging"; Align-GVGD: "Class C0"). In summary, the available evidence is currently insufficient to determine the role of this variant in disease. Therefore, it has been classified as a Variant of Uncertain Significance.

Ambry Genetics
Classification: Uncertain significance. Last evaluated: 2022-07-14. Review status: criteria provided, single submitter. Criteria: Ambry Variant Classification Scheme 2023. Collection method: clinical testing. Allele origin: germline.
Comment: The p.S338A variant (also known as c.1012T>G), located in coding exon 8 of the FBXO38 gene, results from a T to G substitution at nucleotide position 1012. The serine at codon 338 is replaced by alanine, an amino acid with similar properties. This amino acid position is highly conserved in available vertebrate species. In addition, this alteration is predicted to be tolerated by in silico analysis. Since supporting evidence is limited at this time, the clinical significance of this alteration remains unclear.

Blueprint Genetics
Classification: Uncertain significance. Last evaluated: 2020-09-22. Review status: criteria provided, single submitter. Criteria: ACMG Guidelines, 2015. Collection method: clinical testing. Allele origin: germline.

NM_205836.3(FBXO38):c.1012T>G (p.Ser338Ala)

Gene: FBXO38 (F-box protein 38; plus strand). Cytogenetic location: 5q32.
Variant type: single nucleotide variant.
Coding change: c.1012T>G on transcript NM_205836.3 (MANE Select); coding-DNA position 1012, T replaced by G.
Protein change: p.Ser338Ala; replaces serine 338 with alanine.
Molecular consequence: missense variant.
Genome position (GRCh38, 1-based): chr5:148,410,684, T>G. VCF-style: chr5-148410684-T-G. GRCh37 (hg19) VCF-style: chr5-147790247-T-G.
Other names: c.1012T>G, p.Ser338Ala (NM_001271723.2, NM_030793.5); short protein forms S338A.
Identifiers: ClinVar variation 1046863 (VCV001046863.13), dbSNP rs1051684244, ClinGen allele CA128973181.